The following is an entry in ClinVar:

NM_020988.3(GNAO1):c.662C>T (p.Ala221Val)

Gene: GNAO1 (G protein subunit alpha o1; plus strand). Cytogenetic location: 16q13.
Variant type: single nucleotide variant.
Coding change: c.662C>T on transcript NM_020988.3 (MANE Select); coding-DNA position 662, C replaced by T.
Protein change: p.Ala221Val; replaces alanine 221 with valine.
Molecular consequence: missense variant.
Genome position (GRCh38, 1-based): chr16:56,336,799, C>T. VCF-style: chr16-56336799-C-T. GRCh37 (hg19) VCF-style: chr16-56370711-C-T.
Other names: c.662C>T, p.Ala221Val (NM_138736.3); c.662C>T (NM_020988.2); short protein forms A221V.
Identifiers: ClinVar variation 3641836 (VCV003641836.3).

ClinVar aggregate classification (germline): Uncertain significance. Review status: criteria provided, multiple submitters, no conflicts (2 of 4 stars). 2 submissions from 2 submitters: Uncertain significance (2). Last evaluated 2025-05-14.

Conditions:
Early-infantile DEE. Also called: Early infantile epileptic encephalopathy; Ohtahara syndrome; Early infantile epileptic encephalopathy with suppression bursts. Identifiers: Orphanet 1934, MedGen C0393706, MONDO:0800491.

gnomAD v4.1: 1 of 1,613,736 alleles (0.000062%); highest among the groups gnomAD compares: Non-Finnish European, 0.000085%; no homozygotes.

Submissions (2):

GeneDx
Classification: Uncertain significance. Last evaluated: 2025-05-14. Review status: criteria provided, single submitter. Criteria: GeneDx Variant Classification Process June 2021. Collection method: clinical testing. Allele origin: germline. Affected: yes.
Comment: Not observed at significant frequency in large population cohorts (gnomAD); In silico analysis supports that this missense variant has a deleterious effect on protein structure/function; Has not been previously published as pathogenic or benign to our knowledge

Labcorp Genetics (formerly Invitae), Labcorp
Classification: Uncertain significance for Early-infantile DEE. Last evaluated: 2024-02-18. Review status: criteria provided, single submitter. Criteria: Invitae Variant Classification Sherloc (09022015). Collection method: clinical testing. Allele origin: germline.
Comment: This sequence change replaces alanine, which is neutral and non-polar, with valine, which is neutral and non-polar, at codon 221 of the GNAO1 protein (p.Ala221Val). This variant is not present in population databases (gnomAD no frequency). This variant has not been reported in the literature in individuals affected with GNAO1-related conditions. Advanced modeling of protein sequence and biophysical properties (such as structural, functional, and spatial information, amino acid conservation, physicochemical variation, residue mobility, and thermodynamic stability) performed at Invitae indicates that this missense variant is expected to disrupt GNAO1 protein function with a positive predictive value of 80%. In summary, the available evidence is currently insufficient to determine the role of this variant in disease. Therefore, it has been classified as a Variant of Uncertain Significance.